The following is an entry in ClinVar:

ClinVar aggregate classification (germline): Conflicting classifications of pathogenicity. Review status: criteria provided, conflicting classifications (1 of 4 stars). 3 submissions from 3 submitters: Uncertain significance (2); Likely benign (1). Last evaluated 2024-07-08.

Conditions:
TAF1-related disorder. Also called: TAF1-related condition.

Allele frequency attached by ClinVar (database versions not stated): gnomAD 0.00002.
gnomAD v4.1: 15 of 1,209,895 alleles (0.0012%); highest among the groups gnomAD compares: Admixed American, 0.0066%; no homozygotes.

Submissions (3):

Labcorp Genetics (formerly Invitae), Labcorp
Classification: Uncertain significance. Last evaluated: 2024-07-08. Review status: criteria provided, single submitter. Criteria: Invitae Variant Classification Sherloc (09022015). Collection method: clinical testing. Allele origin: germline.
Comment: This sequence change replaces isoleucine, which is neutral and non-polar, with threonine, which is neutral and polar, at codon 349 of the TAF1 protein (p.Ile349Thr). This variant is present in population databases (no rsID available, gnomAD 0.005%), including at least one homozygous and/or hemizygous individual. This variant has not been reported in the literature in individuals affected with TAF1-related conditions. ClinVar contains an entry for this variant (Variation ID: 2629523). Algorithms developed to predict the effect of missense changes on protein structure and function output the following: SIFT: "Not Available"; PolyPhen-2: "Benign"; Align-GVGD: "Not Available". The threonine amino acid residue is found in multiple mammalian species, which suggests that this missense change does not adversely affect protein function. In summary, the available evidence is currently insufficient to determine the role of this variant in disease. Therefore, it has been classified as a Variant of Uncertain Significance.

PreventionGenetics, part of Exact Sciences
Classification: Uncertain significance for TAF1-related condition. Last evaluated: 2023-05-05. Review status: criteria provided, single submitter. Criteria: ACMG Guidelines, 2015. Collection method: clinical testing. Allele origin: germline.
Comment: The TAF1 c.1046T>C variant is predicted to result in the amino acid substitution p.Ile349Thr. To our knowledge, this variant has not been reported in the literature. This variant is reported in 0.0052% of alleles in individuals of South Asian descent in gnomAD. At this time, the clinical significance of this variant is uncertain due to the absence of conclusive functional and genetic evidence.

Blueprint Genetics
Classification: Likely benign. Last evaluated: 2020-08-19. Review status: criteria provided, single submitter. Criteria: ACMG Guidelines, 2015. Collection method: clinical testing. Allele origin: germline.

NM_004606.5(TAF1):c.986T>C (p.Ile329Thr)

Gene: TAF1 (TATA-box binding protein associated factor 1; plus strand). Cytogenetic location: Xq13.1.
Variant type: single nucleotide variant.
Coding change: c.986T>C on transcript NM_004606.5 (MANE Select); coding-DNA position 986, T replaced by C.
Protein change: p.Ile329Thr; replaces isoleucine 329 with threonine.
Molecular consequence: missense variant. On other transcripts: non-coding transcript variant (9).
Genome position (GRCh38, 1-based): chrX:71,378,287, T>C. VCF-style: chrX-71378287-T-C. GRCh37 (hg19) VCF-style: chrX-70598137-T-C.
Other names: c.986T>C, p.Ile329Thr (NM_001286074.2); c.923T>C, p.Ile308Thr (NM_138923.4); short protein forms I308T, I329T.
Identifiers: ClinVar variation 2629523 (VCV002629523.5), dbSNP rs1258901480, ClinGen allele CA413508659.